The following is an entry in ClinVar:

ClinVar aggregate classification (germline): Pathogenic/Likely pathogenic, low penetrance. Review status: criteria provided, multiple submitters, no conflicts (2 of 4 stars). 2 submissions from 2 submitters: Pathogenic (1); Likely pathogenic, low penetrance (1). Last evaluated 2025-10-02.

Conditions:
Atypical hemolytic-uremic syndrome. Identifiers: Orphanet 2134, MedGen C2931788, MONDO:0016244.

Submissions (2):

Genomenon, Inc
Classification: Likely pathogenic, low penetrance for Atypical hemolytic-uremic syndrome. Last evaluated: 2025-10-02. Review status: criteria provided, single submitter. Criteria: Genomenon Sequence Variant Interpretation Standards - Updated. Collection method: curation. Allele origin: germline. Affected: yes.
Comment: CFH p.Pro1226Ser (c.3676C>T) is a missense variant that changes the amino acid at residue 1226 from Proline to Serine. This variant has been observed in at least one proband affected with atypical hemolytic-uremic syndrome (PMID:12960213). At least one functional study has demonstrated a substantial alteration in protein function relative to the wild-type (PMID:16338962). It is absent or not present at a significant frequency in gnomAD. In silico models agree that this variant is possibly or probably damaging. In conclusion, we classify CFH p.Pro1226Ser (c.3676C>T) as a likely pathogenic, low penetrance variant.

CeGaT Center for Human Genetics Tuebingen
Classification: Pathogenic. Last evaluated: 2023-04-01. Review status: criteria provided, single submitter. Criteria: CeGaT Center For Human Genetics Tuebingen Variant Classification Criteria Version 2. Collection method: clinical testing. Allele origin: germline. Affected: yes. Observed: 1 variant allele.
Comment: CFH: PS2, PM1, PM2, PP2, PS3:Supporting, PS4:Supporting

Literature cited by the submitters: PubMed 12960213 (cited by Genomenon, Inc); PubMed 16338962 (cited by Genomenon, Inc).

NM_000186.4(CFH):c.3676C>T (p.Pro1226Ser)

Gene: CFH (complement factor H; plus strand). Cytogenetic location: 1q31.3.
Variant type: single nucleotide variant.
Coding change: c.3676C>T on transcript NM_000186.4 (MANE Select); coding-DNA position 3676, C replaced by T.
Protein change: p.Pro1226Ser; replaces proline 1226 with serine.
Molecular consequence: missense variant.
Genome position (GRCh38, 1-based): chr1:196,747,293, C>T. VCF-style: chr1-196747293-C-T. GRCh37 (hg19) VCF-style: chr1-196716423-C-T.
Other names: short protein forms P1226S.
Identifiers: ClinVar variation 2570747 (VCV002570747.27), dbSNP rs2529561891, ClinGen allele CA343989405.